The following is an entry in ClinVar:

NM_172107.4(KCNQ2):c.2425C>T (p.Gln809Ter)

Gene: KCNQ2 (potassium voltage-gated channel subfamily Q member 2; minus strand). Cytogenetic location: 20q13.33.
Variant type: single nucleotide variant.
Coding change: c.2425C>T on transcript NM_172107.4 (MANE Select); coding-DNA position 2425, C replaced by T.
Protein change: p.Gln809Ter; replaces glutamine 809 with a stop codon.
Molecular consequence: nonsense.
Genome position (GRCh38, 1-based): chr20:63,406,838, G>A on the plus strand (C>T on the coding strand, the complement: KCNQ2 is on the minus strand). VCF-style: chr20-63406838-G-A. GRCh37 (hg19) VCF-style: chr20-62038191-G-A.
Other names: c.2341C>T, p.Gln781Ter (NM_004518.6); c.2371C>T, p.Gln791Ter (NM_172106.3); c.2332C>T, p.Gln778Ter (NM_172108.5); short protein forms Q778*, Q809*, Q781*, Q791*.
Identifiers: ClinVar variation 813752 (VCV000813752.3), dbSNP rs2516093868, ClinGen allele CA409637135.

ClinVar aggregate classification (germline): Pathogenic/Likely pathogenic. Review status: criteria provided, multiple submitters, no conflicts (2 of 4 stars). 3 submissions from 3 submitters: Pathogenic (1); Likely pathogenic (2). Last evaluated 2025-12-18.

Conditions:
Seizures, benign familial neonatal, 1. Also called: Seizures, benign neonatal, 1; KCNQ2-Related Self-Limited Familial Neonatal Epilepsy (SLFNE); Benign Neonatal Epilepsy 1; KCNQ2-Related Benign Familial Neonatal Epilepsy. Identifiers: Orphanet 1949, MedGen C3149074, MONDO:0007365, OMIM 121200.
Developmental and epileptic encephalopathy, 7 (DEE7). Also called: KCNQ2-Related Neonatal-Onset Developmental and Epileptic Encephalopathy (NEO-DEE); Early infantile epileptic encephalopathy 7; KCNQ2-Related Neonatal Epileptic Encephalopathy. Identifiers: Orphanet 439218, MedGen C3150986, MONDO:0013387, OMIM 613720.

Submissions (3):

Variantyx, Inc.
Classification: Likely pathogenic for Seizures, benign familial neonatal, 1. Last evaluated: 2025-12-18. Review status: criteria provided, single submitter. Criteria: Variantyx Assertion Criteria 2022. Collection method: clinical testing. Allele origin: germline. Inheritance: Autosomal dominant inheritance. Affected: no.
Comment: This is a nonsense variant in the KCNQ2 gene (OMIM: 602235). Pathogenic variants in this gene have been associated with autosomal dominant benign neonatal seizures 1. This variant introduces a premature termination codon in exon 17 out of 17 and is expected to result in loss of function, which is a known disease mechanism for KCNQ2 in this disorder (PMID: 10482260, 9872318, 14534157) (PVS1). This variant is absent from control populations (PM2). Based on the current evidence, this variant is classified as likely pathogenic for autosomal dominant benign neonatal seizures 1. Inheritance from an unaffected parent or a parent with unknown affected status has been reported, consistent with incomplete penetrance (PMID: 25982755, 20437616).

Fulgent Genetics
Classification: Likely pathogenic for Seizures, benign familial neonatal, 1; Developmental and epileptic encephalopathy, 7. Last evaluated: 2024-01-17. Review status: criteria provided, single submitter. Criteria: ACMG Guidelines, 2015. Collection method: clinical testing. Allele origin: germline.

Cytogénomique, Hospices Civils de Lyon
Classification: Pathogenic for Seizures, benign familial neonatal, 1. Last evaluated: 2017-07-12. Review status: criteria provided, single submitter. Criteria: ACMG Guidelines, 2015. Collection method: clinical testing. Allele origin: maternal. Inheritance: Autosomal dominant inheritance. Affected: yes.

Literature cited by the submitters: PubMed 17675531 (cited by Variantyx, Inc.); PubMed 14534157 (cited by Variantyx, Inc.).